The following is an entry in ClinVar:

NC_000012.12:g.(?_132687244)_(132687315_?)dup

Gene: POLE (DNA polymerase epsilon, catalytic subunit; minus strand). Cytogenetic location: 12q24.33.
Variant type: Duplication.
Identifiers: ClinVar variation 832776 (VCV000832776.5).

ClinVar aggregate classification (germline): Uncertain significance (1 of 4 stars; one submission).

Conditions:
Colorectal cancer, susceptibility to, 12 (CRCS12). Also called: COLORECTAL CANCER, SUSCEPTIBILITY TO, ON CHROMOSOME 12q24. Identifiers: Orphanet 220460, MedGen C3554460, MONDO:0014038, OMIM 615083.

Submission:

Labcorp Genetics (formerly Invitae), Labcorp
Classification: Uncertain significance for Colorectal cancer, susceptibility to, 12. Last evaluated: 2022-10-09. Review status: criteria provided, single submitter. Criteria: Invitae Variant Classification Sherloc (09022015). Collection method: clinical testing. Allele origin: germline.
Comment: This variant results in a copy number gain of the genomic region encompassing exon(s) 1 of the POLE gene. This region includes the initiator codon of the gene. This copy number gain extends beyond the assayed region for this gene and therefore may encompass additional genes. As the precise location of this event is unknown, it may be in tandem or it may be located elsewhere in the genome. This variant has not been reported in the literature in individuals affected with POLE-related conditions. In summary, the available evidence is currently insufficient to determine the role of this variant in disease. Therefore, it has been classified as a Variant of Uncertain Significance.